The following is an entry in ClinVar:

NM_002076.4(GNS):c.587G>A (p.Gly196Asp)

Gene: GNS (glucosamine (N-acetyl)-6-sulfatase; minus strand). Cytogenetic location: 12q14.3.
Variant type: single nucleotide variant.
Coding change: c.587G>A on transcript NM_002076.4 (MANE Select); coding-DNA position 587, G replaced by A.
Protein change: p.Gly196Asp; replaces glycine 196 with aspartic acid.
Molecular consequence: missense variant.
Genome position (GRCh38, 1-based): chr12:64,744,846, C>T on the plus strand (G>A on the coding strand, the complement: GNS is on the minus strand). VCF-style: chr12-64744846-C-T. GRCh37 (hg19) VCF-style: chr12-65138626-C-T.
Other names: short protein forms G196D.
Identifiers: ClinVar variation 3018408 (VCV003018408.3), dbSNP rs2539524958, ClinGen allele CA385609496.

ClinVar aggregate classification (germline): Uncertain significance (1 of 4 stars; one submission).

Conditions:
Mucopolysaccharidosis, MPS-III-D (MPS3D). Also called: N-ACETYLGLUCOSAMINE-6-SULFATASE DEFICIENCY; SANFILIPPO SYNDROME D; MPS III D; Mucopoly-saccharidosis type 3D; N-acetylglucosamine-6-sulfate sulfatase deficiency; MPS 3D. Identifiers: Orphanet 581, Orphanet 79272, MedGen C0086650, MONDO:0009658, OMIM 252940.

Allele frequency attached by ClinVar (database versions not stated): gnomAD exomes below 0.00001.

Submission:

Labcorp Genetics (formerly Invitae), Labcorp
Classification: Uncertain significance for Mucopolysaccharidosis, MPS-III-D. Last evaluated: 2025-06-20. Review status: criteria provided, single submitter. Criteria: Invitae Variant Classification Sherloc (09022015). Collection method: clinical testing. Allele origin: germline.
Comment: This sequence change replaces glycine, which is neutral and non-polar, with aspartic acid, which is acidic and polar, at codon 196 of the GNS protein (p.Gly196Asp). This variant is not present in population databases (gnomAD no frequency). This variant has not been reported in the literature in individuals affected with GNS-related conditions. ClinVar contains an entry for this variant (Variation ID: 3018408). An algorithm developed to predict the effect of missense changes on protein structure and function (PolyPhen-2) suggests that this variant is likely to be disruptive. In summary, the available evidence is currently insufficient to determine the role of this variant in disease. Therefore, it has been classified as a Variant of Uncertain Significance.